The following is an entry in ClinVar:

NM_004168.4(SDHA):c.621+10C>T

Gene: SDHA (succinate dehydrogenase complex flavoprotein subunit A; plus strand). Cytogenetic location: 5p15.33.
Variant type: single nucleotide variant.
Coding change: c.621+10C>T on transcript NM_004168.4 (MANE Select); 10 bases into the intron after coding-DNA position 621, C replaced by T.
Molecular consequence: intron variant.
Genome position (GRCh38, 1-based): chr5:226,057, C>T. VCF-style: chr5-226057-C-T. GRCh37 (hg19) VCF-style: chr5-226172-C-T.
Other names: c.621+10C>T (NM_001330758.2); c.477+10C>T (NM_001294332.2).
Identifiers: ClinVar variation 1143268 (VCV001143268.10), dbSNP rs1458669735, ClinGen allele CA557397532.

ClinVar aggregate classification (germline): Likely benign. Review status: criteria provided, multiple submitters, no conflicts (2 of 4 stars). 2 submissions from 2 submitters: Likely benign (2). Last evaluated 2025-10-22.

Conditions:
Pheochromocytoma/paraganglioma syndrome 5. Also called: Paragangliomas 5; SDHA-Related Hereditary Paraganglioma-Pheochromocytoma Syndrome. Identifiers: Orphanet 29072, MedGen C3279992, MONDO:0013602, OMIM 614165.
Mitochondrial complex II deficiency, nuclear type 1. Also called: SUCCINATE CoQ REDUCTASE DEFICIENCY. Identifiers: Orphanet 3208, MedGen C5700310, MONDO:0100294, OMIM 252011.

Allele frequency attached by ClinVar (database versions not stated): gnomAD exomes below 0.00001 and 0.00001; TOPMed 0.00002.
gnomAD v4.1: 2 of 1,613,948 alleles (0.00012%); highest among the groups gnomAD compares: African/African-American, 0.0027%; no homozygotes.

Submissions (2):

Labcorp Genetics (formerly Invitae), Labcorp
Classification: Likely benign for Pheochromocytoma/paraganglioma syndrome 5; Mitochondrial complex II deficiency, nuclear type 1. Last evaluated: 2025-10-22. Review status: criteria provided, single submitter. Criteria: Invitae Variant Classification Sherloc (09022015). Collection method: clinical testing. Allele origin: germline.

Myriad Genetics, Inc.
Classification: Likely benign for Pheochromocytoma/paraganglioma syndrome 5. Last evaluated: 2025-03-03. Review status: criteria provided, single submitter. Criteria: Myriad Autosomal Dominant, Autosomal Recessive and X-Linked Classification Criteria (2023). Collection method: clinical testing. Allele origin: unknown.
Comment: This variant is considered likely benign. This variant is intronic and is not expected to impact mRNA splicing.